The following is an entry in ClinVar:

ClinVar aggregate classification (germline): Likely benign (0 of 4 stars; one submission).

Conditions:
KL-related disorder. Also called: KL-related condition.

gnomAD v4.1: 1 of 1,614,098 alleles (0.000062%); no homozygotes.

Submission:

PreventionGenetics, part of Exact Sciences
Classification: Likely benign for KL-related condition. Last evaluated: 2024-05-22. Review status: no assertion criteria provided. Collection method: clinical testing. Allele origin: germline.
Comment: This variant is classified as likely benign based on ACMG/AMP sequence variant interpretation guidelines (Richards et al. 2015 PMID: 25741868, with internal and published modifications).

NM_004795.4(KL):c.2862G>C (p.Pro954=)

Gene: KL (klotho; plus strand). Cytogenetic location: 13q13.1.
Variant type: single nucleotide variant.
Coding change: c.2862G>C on transcript NM_004795.4 (MANE Select); coding-DNA position 2862, G replaced by C.
Protein change: p.Pro954=; no amino-acid change (proline 954 retained).
Molecular consequence: synonymous variant.
Genome position (GRCh38, 1-based): chr13:33,064,009, G>C. VCF-style: chr13-33064009-G-C. GRCh37 (hg19) VCF-style: chr13-33638146-G-C.
Identifiers: ClinVar variation 3346822 (VCV003346822.1).